The following is an entry in ClinVar:

ClinVar aggregate classification (germline): Uncertain significance. Review status: criteria provided, multiple submitters, no conflicts (2 of 4 stars). 3 submissions from 3 submitters: Uncertain significance (3). Last evaluated 2025-07-31.

Conditions:
Hereditary nonpolyposis colorectal neoplasms. Identifiers: MedGen C0009405, MeSH D003123.
Breast-ovarian cancer, familial, susceptibility to, 1 (BROVCA1). Also called: OVARIAN CANCER, SUSCEPTIBILITY TO; BRCA1 Hereditary Breast and Ovarian Cancer. Identifiers: Orphanet 145, MedGen C2676676, MONDO:0011450, OMIM 604370. Disease mechanism: loss of function.
Hereditary cancer-predisposing syndrome. Also called: Hereditary neoplastic syndrome; Tumor predisposition; Hereditary Cancer Syndrome; Neoplastic Syndromes, Hereditary. Identifiers: Orphanet 140162, MedGen C0027672, MeSH D009386, MONDO:0015356.

Allele frequency attached by ClinVar (database versions not stated): TOPMed below 0.00001.
gnomAD v4.1: 3 of 1,612,636 alleles (0.00019%); highest among the groups gnomAD compares: Non-Finnish European, 0.00025%; no homozygotes.

Submissions (3):

Institute of Immunology and Genetics Kaiserslautern
Classification: Uncertain significance for Breast-ovarian cancer, familial, susceptibility to, 1. Last evaluated: 2025-07-31. Review status: criteria provided, single submitter. Criteria: ACMG Guidelines, 2015. Collection method: clinical testing. Allele origin: germline. Affected: yes.
Comment: ACMG Criteria: PM2_P; Variant was found in heterozygous state.

Labcorp Genetics (formerly Invitae), Labcorp
Classification: Uncertain significance for Hereditary nonpolyposis colorectal neoplasms. Last evaluated: 2024-08-07. Review status: criteria provided, single submitter. Criteria: Invitae Variant Classification Sherloc (09022015). Collection method: clinical testing. Allele origin: germline.
Comment: This sequence change falls in intron 1 of the PMS2 gene. It does not directly change the encoded amino acid sequence of the PMS2 protein. It affects a nucleotide within the consensus splice site. This variant is not present in population databases (gnomAD no frequency). This variant has not been reported in the literature in individuals affected with PMS2-related conditions. ClinVar contains an entry for this variant (Variation ID: 651566). Variants that disrupt the consensus splice site are a relatively common cause of aberrant splicing (PMID: 17576681, 9536098). Algorithms developed to predict the effect of sequence changes on RNA splicing suggest that this variant may disrupt the consensus splice site. In summary, the available evidence is currently insufficient to determine the role of this variant in disease. Therefore, it has been classified as a Variant of Uncertain Significance.

Ambry Genetics
Classification: Uncertain significance for Hereditary cancer-predisposing syndrome. Last evaluated: 2023-07-03. Review status: criteria provided, single submitter. Criteria: Ambry Variant Classification Scheme 2023. Collection method: clinical testing. Allele origin: germline.
Comment: The c.23+4A>C intronic variant results from an A to C substitution 4 nucleotides after coding exon 1 in the PMS2 gene. This nucleotide position is highly conserved in available vertebrate species. In silico splice site analysis predicts that this alteration will not have any significant effect on splicing. Since supporting evidence is limited at this time, the clinical significance of this alteration remains unclear.

Literature cited by the submitters: PubMed 17576681 (cited by Labcorp Genetics (formerly Invitae), Labcorp); PubMed 9536098 (cited by Labcorp Genetics (formerly Invitae), Labcorp).

NM_000535.7(PMS2):c.23+4A>C

Gene: PMS2 (PMS1 homolog 2, mismatch repair system component; minus strand). Cytogenetic location: 7p22.1.
Variant type: single nucleotide variant.
Coding change: c.23+4A>C on transcript NM_000535.7 (MANE Select); 4 bases into the intron after coding-DNA position 23, A replaced by C.
Molecular consequence: intron variant. On other transcripts: 5 prime UTR variant (2).
Genome position (GRCh38, 1-based): chr7:6,008,993, T>G on the plus strand (A>C on the coding strand, the complement: PMS2 is on the minus strand). VCF-style: chr7-6008993-T-G. GRCh37 (hg19) VCF-style: chr7-6048624-T-G.
Other names: c.-569A>C (NM_001322005.2); c.-564A>C (NM_001322009.2); c.-53+4A>C (NM_001322008.2); c.-243+4A>C (NM_001322010.2, NM_001322004.2); c.-378+4A>C (NM_001322013.2, NM_001322003.2); c.-857+4A>C (NM_001322012.2); c.-457+4A>C (NM_001322015.2); c.-193+4A>C (NM_001322007.2); and 2 more.
Identifiers: ClinVar variation 651566 (VCV000651566.8), dbSNP rs1583435174, ClinGen allele CA915944842.